The following is an entry in ClinVar:

ClinVar aggregate classification (germline): Likely pathogenic. Review status: criteria provided, multiple submitters, no conflicts (2 of 4 stars). 3 submissions from 3 submitters: Likely pathogenic (2). 1 of the submissions does not count toward it. Last evaluated 2023-08-28.

Conditions:
Argininosuccinate lyase deficiency. Also called: ARGININOSUCCINIC ACID LYASE DEFICIENCY; ASL DEFICIENCY; Argininosuccinic aciduria. Identifiers: Orphanet 23, MedGen C0268547, MONDO:0008815, OMIM 207900, HP:0025630.

Allele frequency attached by ClinVar (database versions not stated): gnomAD exomes below 0.00001; ExAC 0.00001; gnomAD 0.00001; TOPMed 0.00001; 1000 Genomes Project 0.00020; 1000 Genomes Project 30x 0.00031.
gnomAD v4.1: 1 of 1,608,802 alleles (0.000062%); highest among the groups gnomAD compares: East Asian, 0.0022%; no homozygotes.

Submissions (3):

Labcorp Genetics (formerly Invitae), Labcorp
Classification: Likely pathogenic for Argininosuccinate lyase deficiency. Last evaluated: 2023-08-28. Review status: criteria provided, single submitter. Criteria: Invitae Variant Classification Sherloc (09022015). Collection method: clinical testing. Allele origin: germline.
Comment: In summary, the currently available evidence indicates that the variant is pathogenic, but additional data are needed to prove that conclusively. Therefore, this variant has been classified as Likely Pathogenic. Algorithms developed to predict the effect of sequence changes on RNA splicing suggest that this variant may disrupt the consensus splice site. ClinVar contains an entry for this variant (Variation ID: 203624). This variant has not been reported in the literature in individuals affected with ASL-related conditions. The frequency data for this variant in the population databases is considered unreliable, as metrics indicate poor data quality at this position in the gnomAD database. This sequence change affects a donor splice site in intron 4 of the ASL gene. It is expected to disrupt RNA splicing. Variants that disrupt the donor or acceptor splice site typically lead to a loss of protein function (PMID: 16199547), and loss-of-function variants in ASL are known to be pathogenic (PMID: 2263616, 24166829).

Baylor Genetics
Classification: Likely pathogenic for Argininosuccinate lyase deficiency. Last evaluated: 2023-07-04. Review status: criteria provided, single submitter. Criteria: ACMG Guidelines, 2015. Collection method: clinical testing. Allele origin: unknown.

Counsyl
Classification: Likely pathogenic for Argininosuccinate lyase deficiency. Last evaluated: 2016-11-03. Review status: no assertion criteria provided. Collection method: clinical testing. Allele origin: unknown. Not counted in ClinVar's aggregate classification.

Literature cited by the submitters: PubMed 16199547 (cited by Labcorp Genetics (formerly Invitae), Labcorp); PubMed 2263616 (cited by Labcorp Genetics (formerly Invitae), Labcorp); PubMed 24166829 (cited by Labcorp Genetics (formerly Invitae), Labcorp).

NM_000048.4(ASL):c.291+1G>T

Gene: ASL (argininosuccinate lyase; plus strand). Cytogenetic location: 7q11.21.
Variant type: single nucleotide variant.
Coding change: c.291+1G>T on transcript NM_000048.4 (MANE Select); the canonical splice donor site of the intron after coding-DNA position 291, G replaced by T.
Molecular consequence: splice donor variant.
Genome position (GRCh38, 1-based): chr7:66,082,452, G>T. VCF-style: chr7-66082452-G-T. GRCh37 (hg19) VCF-style: chr7-65547439-G-T.
Other names: c.291+1G>T (NM_001024943.2, NM_001024944.2, NM_001024946.2).
Identifiers: ClinVar variation 203624 (VCV000203624.7), dbSNP rs201523601, ClinGen allele CA312342.